The following is an entry in ClinVar:

NM_002519.3(NPAT):c.3479T>C (p.Phe1160Ser)

Gene: NPAT (nuclear protein, coactivator of histone transcription; minus strand). Cytogenetic location: 11q22.3.
Variant type: single nucleotide variant.
Coding change: c.3479T>C on transcript NM_002519.3 (MANE Select); coding-DNA position 3479, T replaced by C.
Protein change: p.Phe1160Ser; replaces phenylalanine 1160 with serine.
Molecular consequence: missense variant.
Genome position (GRCh38, 1-based): chr11:108,161,607, A>G on the plus strand (T>C on the coding strand, the complement: NPAT is on the minus strand). VCF-style: chr11-108161607-A-G. GRCh37 (hg19) VCF-style: chr11-108032334-A-G.
Other names: c.3500T>C, p.Phe1167Ser (NM_001321307.1); short protein forms F1160S, F1167S.
Identifiers: ClinVar variation 1731815 (VCV001731815.2), dbSNP rs750312221, ClinGen allele CA6263574.
Genomic context (GRCh38, chr11:108,161,607, plus strand): 5'-TTTTTCTGTCTTTCTACATCGCTGCATAATTCATTCTCCTTATTAGCTGTTGCTTTATGG[A>G]AAGATTCAAGCACAATTTCTGTTGGTGAAACTTTCTTTTCTGATTGAGTTTCTCTTATGG-3'
Protein context (NP_002510.2, residues 1150-1170): VSPTEIVLES[Phe1160Ser]HKATANKENE

ClinVar aggregate classification (germline): Uncertain significance (1 of 4 stars; one submission).

Allele frequency attached by ClinVar (database versions not stated): gnomAD exomes below 0.00001; ExAC 0.00001.
gnomAD v4.1: 1 of 1,614,162 alleles (0.000062%); highest among the groups gnomAD compares: African/African-American, 0.0013%; no homozygotes.

Submission:

Ambry Genetics
Classification: Uncertain significance. Last evaluated: 2022-01-30. Review status: criteria provided, single submitter. Criteria: Ambry Variant Classification Scheme 2023. Collection method: clinical testing. Allele origin: germline.
Comment: The p.F1160S variant (also known as c.3479T>C), located in coding exon 17 of the NPAT gene, results from a T to C substitution at nucleotide position 3479. The phenylalanine at codon 1160 is replaced by serine, an amino acid with highly dissimilar properties. This amino acid position is conserved. In addition, this alteration is predicted to be tolerated by in silico analysis. Since supporting evidence is limited at this time, the clinical significance of this alteration remains unclear.